The following is an entry in ClinVar:

NM_004260.4(RECQL4):c.2120_2159del (p.Cys707fs)

Gene: RECQL4 (RecQ like helicase 4; minus strand). Cytogenetic location: 8q24.3.
Variant type: Deletion.
Coding change: c.2120_2159del on transcript NM_004260.4 (MANE Select); coding-DNA positions 2120 to 2159, 40 bases deleted.
Protein change: p.Cys707fs; shifts the reading frame from cysteine 707.
Molecular consequence: frameshift variant. On other transcripts: non-coding transcript variant (2).
Genome position (GRCh38, 1-based): chr8:144,513,612-144,513,651, 40 bases deleted; deleting any 40 consecutive bases within chr8:144,513,612-144,513,653 gives the same sequence; the c. name uses the placement nearest the transcript's 3' end. GRCh37 (hg19): chr8:145,738,998-145,739,037.
Other names: c.2024_2063del, p.Cys675fs (NM_001413017.1, NM_001413020.1); c.2120_2159del, p.Cys707fs (NM_001413018.1, NM_001413019.1, NM_001413036.1); c.1049_1088del, p.Cys350fs (NM_001413021.1, NM_001413022.1, NM_001413023.1 and 6 more transcripts); c.1991_2030del, p.Cys664fs (NM_001413025.1); c.983_1022del, p.Cys328fs (NM_001413027.1, NM_001413030.1, NM_001413032.1 and 1 more transcripts); c.1769_1808del, p.Cys590fs (NM_001413029.1); c.851_890del, p.Cys284fs (NM_001413031.1); c.1988_2027del, p.Cys663fs (NM_001413033.1); and 4 more; short protein forms C350fs, C218fs, C664fs, C284fs, C340fs, C663fs, C697fs, C707fs.
Identifiers: ClinVar variation 2842744 (VCV002842744.3), dbSNP rs2538017691, ClinGen allele CA2739269067.
Genomic context (GRCh38, chr8:144,513,611, plus strand): 5'-CAGCTCTGTCCATGCCGCACCTCCAGACCCTGGGACCCAGGCTGCGTGCAGGCAGGTTCG[GAGGAGCGCAGCGATCCGCTCTGTGTCCTCGCGCCGGTTGC>G]AGTAAATGATAATGGAATCGAGGTTTTGAAAACGTTTGCCTTGCAGCAGCGTCAACAGTG-3'

ClinVar aggregate classification (germline): Pathogenic (1 of 4 stars; one submission).

Conditions:
Baller-Gerold syndrome (BGS). Also called: CRANIOSYNOSTOSIS WITH RADIAL DEFECTS. Identifiers: Orphanet 1225, MedGen C0265308, MONDO:0009039, OMIM 218600.

Submission:

Labcorp Genetics (formerly Invitae), Labcorp
Classification: Pathogenic for Baller-Gerold syndrome. Last evaluated: 2025-11-17. Review status: criteria provided, single submitter. Criteria: Invitae Variant Classification Sherloc (09022015). Collection method: clinical testing. Allele origin: germline.
Comment: This sequence change creates a premature translational stop signal (p.Cys707Serfs*123) in the RECQL4 gene. It is expected to result in an absent or disrupted protein product. Loss-of-function variants in RECQL4 are known to be pathogenic (PMID: 12734318, 12952869). This variant is not present in population databases (gnomAD no frequency). This variant has not been reported in the literature in individuals affected with RECQL4-related conditions. ClinVar contains an entry for this variant (Variation ID: 2842744). For these reasons, this variant has been classified as Pathogenic.

Literature cited by the submitters: PubMed 12734318; PubMed 12952869.